The following is an entry in ClinVar:

NM_033380.3(COL4A5):c.647G>A (p.Gly216Glu)

Gene: COL4A5 (collagen type IV alpha 5 chain; plus strand). Cytogenetic location: Xq22.3.
Variant type: single nucleotide variant.
Coding change: c.647G>A on transcript NM_033380.3 (MANE Select); coding-DNA position 647, G replaced by A.
Protein change: p.Gly216Glu; replaces glycine 216 with glutamic acid.
Molecular consequence: missense variant.
Genome position (GRCh38, 1-based): chrX:108,578,079, G>A. VCF-style: chrX-108578079-G-A. GRCh37 (hg19) VCF-style: chrX-107821309-G-A.
Other names: c.647G>A, p.Gly216Glu (NM_000495.5); short protein forms G216E.
Identifiers: ClinVar variation 562417 (VCV000562417.13), dbSNP rs104886074, ClinGen allele CA413923445.

ClinVar aggregate classification (germline): Pathogenic. Review status: criteria provided, multiple submitters, no conflicts (2 of 4 stars). 3 submissions from 3 submitters: Pathogenic (2). 1 of the submissions does not count toward it. Last evaluated 2025-06-12.

Conditions:
X-linked Alport syndrome (ATS1). Also called: COL4A5-Related Nephropathy; NEPHROPATHY AND DEAFNESS, X-LINKED. Identifiers: Orphanet 63, Orphanet 88917, MedGen C4746986, MONDO:0010520, OMIM 301050.

Submissions (3):

Labcorp Genetics (formerly Invitae), Labcorp
Classification: Pathogenic. Last evaluated: 2025-06-12. Review status: criteria provided, single submitter. Criteria: Invitae Variant Classification Sherloc (09022015). Collection method: clinical testing. Allele origin: germline.
Comment: This sequence change replaces glycine, which is neutral and non-polar, with glutamic acid, which is acidic and polar, at codon 216 of the COL4A5 protein (p.Gly216Glu). This variant is not present in population databases (gnomAD no frequency). This missense change has been observed in individuals with X-linked Alport syndrome (PMID: 20378821, 22921432; internal data). ClinVar contains an entry for this variant (Variation ID: 562417). Experimental studies and prediction algorithms are not available or were not evaluated, and the functional significance of this variant is currently unknown. This variant disrupts the p.Gly216 amino acid residue in COL4A5. Other variant(s) that disrupt this residue have been observed in individuals with COL4A5-related conditions (PMID: 8738805, 17660027), which suggests that this may be a clinically significant amino acid residue. For these reasons, this variant has been classified as Pathogenic.

Fulgent Genetics
Classification: Pathogenic for X-linked Alport syndrome. Last evaluated: 2024-02-14. Review status: criteria provided, single submitter. Criteria: ACMG Guidelines, 2015. Collection method: clinical testing. Allele origin: germline.

Gharavi Laboratory, Columbia University
Classification: Pathogenic. Last evaluated: 2018-09-16. Review status: no assertion criteria provided. Criteria: ACMG Guidelines, 2015. Collection method: research. Allele origin: germline. Affected: yes. Not counted in ClinVar's aggregate classification.

Literature cited by the submitters: PubMed 20378821 (cited by Labcorp Genetics (formerly Invitae), Labcorp); PubMed 22921432 (cited by Labcorp Genetics (formerly Invitae), Labcorp); PubMed 8738805 (cited by Labcorp Genetics (formerly Invitae), Labcorp); PubMed 17660027 (cited by Labcorp Genetics (formerly Invitae), Labcorp).